The following is an entry in ClinVar:

NM_024072.4(DDX54):c.1361A>G (p.His454Arg)

Gene: DDX54 (DEAD-box helicase 54; minus strand). Cytogenetic location: 12q24.13.
Variant type: single nucleotide variant.
Coding change: c.1361A>G on transcript NM_024072.4 (MANE Select); coding-DNA position 1361, A replaced by G.
Protein change: p.His454Arg; replaces histidine 454 with arginine.
Molecular consequence: missense variant.
Genome position (GRCh38, 1-based): chr12:113,169,823, T>C on the plus strand (A>G on the coding strand, the complement: DDX54 is on the minus strand). VCF-style: chr12-113169823-T-C. GRCh37 (hg19) VCF-style: chr12-113607628-T-C.
Other names: c.1361A>G, p.His454Arg (NM_001111322.2); short protein forms H454R.
Identifiers: ClinVar variation 2636462 (VCV002636462.1), dbSNP rs1298280132, ClinGen allele CA386837212.

ClinVar aggregate classification (germline): Uncertain significance (1 of 4 stars; one submission).

Conditions:
DDX54-related disorder. Also called: DDX54-related condition.

Submission:

PreventionGenetics, part of Exact Sciences
Classification: Uncertain significance for DDX54-related condition. Last evaluated: 2022-08-22. Review status: criteria provided, single submitter. Criteria: ACMG Guidelines, 2015. Collection method: clinical testing. Allele origin: germline.
Comment: The DDX54 c.1361A>G variant is predicted to result in the amino acid substitution p.His454Arg. To our knowledge, this variant has not been reported in the literature or in a large population database, indicating this variant is rare. At this time, the clinical significance of this variant is uncertain due to the absence of conclusive functional and genetic evidence.